The following is an entry in ClinVar:

NM_005540.3(INPP5B):c.369C>T (p.His123=)

Gene: INPP5B (inositol polyphosphate-5-phosphatase B; minus strand). Cytogenetic location: 1p34.3.
Variant type: single nucleotide variant.
Coding change: c.369C>T on transcript NM_005540.3 (MANE Select); coding-DNA position 369, C replaced by T.
Protein change: p.His123=; no amino-acid change (histidine 123 retained).
Molecular consequence: synonymous variant. On other transcripts: 5 prime UTR variant (1), non-coding transcript variant (3).
Genome position (GRCh38, 1-based): chr1:37,940,710, G>A on the plus strand (C>T on the coding strand, the complement: INPP5B is on the minus strand). VCF-style: chr1-37940710-G-A. GRCh37 (hg19) VCF-style: chr1-38406382-G-A.
Other names: c.-358C>T (NM_001350228.1); c.369C>T, p.His123= (NM_001365820.1); c.363C>T, p.His121= (NM_001365821.1); c.303C>T, p.His101= (NM_001365822.1); c.174C>T, p.His58= (NM_001365823.1, NM_001365824.1); c.12C>T, p.His4= (NM_001365825.1).
Identifiers: ClinVar variation 2638682 (VCV002638682.24), dbSNP rs376311253, ClinGen allele CA776319.

ClinVar aggregate classification (germline): Likely benign (1 of 4 stars; one submission).

Allele frequency attached by ClinVar (database versions not stated): ExAC 0.00002; ESP Exome Variant Server 0.00008.
gnomAD v4.1: 91 of 1,613,698 alleles (0.0056%); highest among the groups gnomAD compares: Middle Eastern, 0.033%; no homozygotes.

Submission:

CeGaT Center for Human Genetics Tuebingen
Classification: Likely benign. Last evaluated: 2023-04-01. Review status: criteria provided, single submitter. Criteria: CeGaT Center For Human Genetics Tuebingen Variant Classification Criteria Version 2. Collection method: clinical testing. Allele origin: germline. Affected: yes. Observed: 1 variant allele.
Comment: INPP5B: BP4